The following is an entry in ClinVar:

ClinVar aggregate classification (germline): Conflicting classifications of pathogenicity. Review status: criteria provided, conflicting classifications (1 of 4 stars). 7 submissions from 7 submitters: Uncertain significance (1); Likely benign (6). Last evaluated 2025-11-10.

Conditions:
Cardiovascular phenotype. Identifiers: MedGen CN230736.
Cardiac arrhythmia. Also called: Cardiac rhythm disease; Arrhythmia. Identifiers: MedGen C0003811, MONDO:0007263, HP:0011675.
Long QT syndrome 2 (LQT2). Identifiers: Orphanet 101016, Orphanet 768, MedGen C3150943, MONDO:0013367, OMIM 613688.
Long QT syndrome (LQTS). Identifiers: MedGen C0023976, MeSH D008133, MONDO:0002442. Disease mechanism: loss of function. Inheritance: Various modes of inheritance.

Allele frequency attached by ClinVar (database versions not stated): TOPMed 0.00002.
gnomAD v4.1: 38 of 1,613,182 alleles (0.0024%); highest among the groups gnomAD compares: Middle Eastern, 0.033%; no homozygotes.

Submissions (7):

Labcorp Genetics (formerly Invitae), Labcorp
Classification: Likely benign for Long QT syndrome. Last evaluated: 2025-11-10. Review status: criteria provided, single submitter. Criteria: Invitae Variant Classification Sherloc (09022015). Collection method: clinical testing. Allele origin: germline.

All of Us Research Program, National Institutes of Health
Classification: Likely benign for Long QT syndrome. Last evaluated: 2023-12-13. Review status: criteria provided, single submitter. Criteria: ACMG Guidelines, 2015. Collection method: clinical testing. Allele origin: germline. Inheritance: Autosomal dominant inheritance. Observed: 8 variant alleles, 8 heterozygotes.
Comment: This study involves interpretation of variants in research participants for the purpose of population health screening. Participant phenotype was not available at the time of variant classification. Additional details can be found in publication PMID: 35346344, PMCID: PMC8962531

Color Diagnostics, LLC DBA Color Health
Classification: Likely benign for Cardiac arrhythmia. Last evaluated: 2022-11-06. Review status: criteria provided, single submitter. Criteria: ACMG Guidelines, 2015. Collection method: clinical testing. Allele origin: germline.

GeneDx
Classification: Likely benign. Last evaluated: 2021-02-17. Review status: criteria provided, single submitter. Criteria: GeneDx Variant Classification Process June 2021. Collection method: clinical testing. Allele origin: germline. Affected: yes.

Blueprint Genetics
Classification: Likely benign. Last evaluated: 2020-07-21. Review status: criteria provided, single submitter. Criteria: ACMG Guidelines, 2015. Collection method: clinical testing. Allele origin: germline.

Ambry Genetics
Classification: Likely benign for Cardiovascular phenotype. Last evaluated: 2019-10-11. Review status: criteria provided, single submitter. Criteria: Ambry Variant Classification Scheme 2023. Collection method: clinical testing. Allele origin: germline.

Illumina Laboratory Services, Illumina
Classification: Uncertain significance for Long QT syndrome 2. Last evaluated: 2018-01-12. Review status: criteria provided, single submitter. Criteria: ICSL Variant Classification Criteria 13 December 2019. Collection method: clinical testing. Allele origin: germline.

NM_000238.4(KCNH2):c.1053G>A (p.Ser351=)

Gene: KCNH2 (potassium voltage-gated channel subfamily H member 2; minus strand). Cytogenetic location: 7q36.1.
Variant type: single nucleotide variant.
Coding change: c.1053G>A on transcript NM_000238.4 (MANE Select); coding-DNA position 1053, G replaced by A.
Protein change: p.Ser351=; no amino-acid change (serine 351 retained).
Molecular consequence: synonymous variant. On other transcripts: non-coding transcript variant (1).
Genome position (GRCh38, 1-based): chr7:150,957,366, C>T on the plus strand (G>A on the coding strand, the complement: KCNH2 is on the minus strand). VCF-style: chr7-150957366-C-T. GRCh37 (hg19) VCF-style: chr7-150654454-C-T.
Other names: c.765G>A, p.Ser255= (NM_001406753.1, NM_001406756.1); c.876G>A, p.Ser292= (NM_001406755.1); c.753G>A, p.Ser251= (NM_001406757.1); c.1053G>A, p.Ser351= (NM_172056.3).
Identifiers: ClinVar variation 910683 (VCV000910683.20), dbSNP rs766203252, ClinGen allele CA026737.